The following is an entry in ClinVar:

ClinVar aggregate classification (germline): Uncertain significance (1 of 4 stars; one submission).

Conditions:
Hereditary cancer-predisposing syndrome. Also called: Neoplastic Syndromes, Hereditary; Tumor predisposition; Hereditary neoplastic syndrome; Hereditary Cancer Syndrome. Identifiers: Orphanet 140162, MedGen C0027672, MeSH D009386, MONDO:0015356.

Submission:

Ambry Genetics
Classification: Uncertain significance for Hereditary cancer-predisposing syndrome. Last evaluated: 2015-04-03. Review status: criteria provided, single submitter. Criteria: Ambry Variant Classification Scheme 2023. Collection method: clinical testing. Allele origin: germline.
Comment: The c.2098-18T>G intronic alteration consists of a T to G substitution 18 nucleotides before coding exon 14 in the BRIP1 gene. Based on insufficient or conflicting evidence, the clinical significance of this alteration remains unclear.

NM_032043.3(BRIP1):c.2098-18T>G

Gene: BRIP1 (BRCA1 interacting DNA helicase 1; minus strand). Cytogenetic location: 17q23.2.
Variant type: single nucleotide variant.
Coding change: c.2098-18T>G on transcript NM_032043.3 (MANE Select); 18 bases into the intron before coding-DNA position 2098, T replaced by G.
Molecular consequence: intron variant.
Genome position (GRCh38, 1-based): chr17:61,744,609, A>C on the plus strand (T>G on the coding strand, the complement: BRIP1 is on the minus strand). VCF-style: chr17-61744609-A-C. GRCh37 (hg19) VCF-style: chr17-59821970-A-C.
Identifiers: ClinVar variation 3076084 (VCV003076084.1), dbSNP rs2544840118, ClinGen allele CA2825002575.